The following is an entry in ClinVar:

ClinVar aggregate classification (germline): Pathogenic (1 of 4 stars; one submission).

Conditions:
McKusick-Kaufman syndrome (MKKS). Also called: HYDROMETROCOLPOS SYNDROME; HYDROMETROCOLPOS, POSTAXIAL POLYDACTYLY, AND CONGENITAL HEART MALFORMATION. Identifiers: Orphanet 2473, MedGen C0948368, MONDO:0009367, OMIM 236700.
Bardet-Biedl syndrome (BBS). Identifiers: Orphanet 110, MedGen C0752166, MONDO:0015229.

Submission:

Labcorp Genetics (formerly Invitae), Labcorp
Classification: Pathogenic for McKusick-Kaufman syndrome; Bardet-Biedl syndrome. Last evaluated: 2024-03-30. Review status: criteria provided, single submitter. Criteria: Invitae Variant Classification Sherloc (09022015). Collection method: clinical testing. Allele origin: germline.
Comment: This sequence change creates a premature translational stop signal (p.Gln45Argfs*30) in the MKKS gene. It is expected to result in an absent or disrupted protein product. Loss-of-function variants in MKKS are known to be pathogenic (PMID: 11179009, 28761321, 30614526). This variant is not present in population databases (gnomAD no frequency). This variant has not been reported in the literature in individuals affected with MKKS-related conditions. For these reasons, this variant has been classified as Pathogenic.

Literature cited by the submitters: PubMed 11179009; PubMed 28761321; PubMed 30614526.

NM_170784.3(MKKS):c.134del (p.Gln45fs)

Gene: MKKS (MKKS centrosomal shuttling protein; minus strand). Cytogenetic location: 20p12.2.
Variant type: Deletion.
Coding change: c.134del on transcript NM_170784.3 (MANE Select); coding-DNA position 134, one base deleted (A; older notation c.134delA).
Protein change: p.Gln45fs; shifts the reading frame from glutamine 45.
Molecular consequence: frameshift variant.
Genome position (GRCh38, 1-based): chr20:10,413,381, T deleted on the plus strand (A on the coding strand, the reverse complement: MKKS is on the minus strand). VCF-style (leftmost placement, unchanged base first): chr20-10413380-CT-C. GRCh37 (hg19) VCF-style: chr20-10394028-CT-C.
Other names: c.134del, p.Gln45fs (NM_018848.3); short protein forms Q45fs.
Identifiers: ClinVar variation 3755605 (VCV003755605.2).
Genomic context (GRCh38, chr20:10,413,380, plus strand): 5'-ACTGAGCAGAGCTGAGGACTGTGAGGTTGTACACACGTAACCTCCAAAGCCATTGTGCAG[CT>C]GCTTCAGCCTACCTGAGGGGCCATAGCATGATGTTACAATTCTTTTCAAGACAGAAAGTG-3'